The following is an entry in ClinVar:

Single allele

Genes: MIR211 (microRNA 211; minus strand), MTMR10 (myotubularin related protein 10; minus strand), ARHGAP11B (Rho GTPase activating protein 11B), CHRNA7 (cholinergic receptor nicotinic alpha 7 subunit), FAN1 (FANCD2 and FANCI associated nuclease 1; plus strand) and 23 more. Cytogenetic location: 15q13.2-13.3.
Variant type: Deletion.
Identifiers: ClinVar variation 1703232 (VCV001703232.1).

ClinVar aggregate classification (germline): Pathogenic (1 of 4 stars; one submission).

Conditions:
Chromosome 15q13.3 microdeletion syndrome. Also called: CHROMOSOME 15q13.3 DELETION SYNDROME; 15q13.3 Recurrent Deletion. Identifiers: Orphanet 199318, MedGen C2677613, MONDO:0012774, OMIM 612001.

Submission:

Broad Center for Mendelian Genomics, Broad Institute of MIT and Harvard
Classification: Pathogenic for Chromosome 15q13.3 microdeletion syndrome. Last evaluated: 2022-08-25. Review status: criteria provided, single submitter. Criteria: ACMG/ClinGen CNV Guidelines, 2019. Collection method: curation. Allele origin: germline. Inheritance: Autosomal dominant inheritance. Affected: yes.
Comment: Data from large population studies is insufficient to assess the frequency of this variant. There is nearly complete overlap with the 15q13.3 recurrent region (BP4-BP5) (includes CHRNA7), which is known to be haploinsufficient and has been assessed by the ClinGen Dosage Sensitivity Working Group. However, this region does show incomplete penetrance and there are case/control studies demonstrating enrichment in affected individuals (PMID: 25217958; PMID: 21844811). In summary, this variant meets criteria to be classified as pathogenic for autosomal recessive Chromosome 15q13.33 Deletion Syndrome. The ACMG/ClinGen evidence codes and points used in this curation are as follows: 1A: 0 points, 2B: 1.0 points, 3A: 0. points, 4: 0. points, 5: 0. points; Total: points; Riggs 2020 (PMID: 31690835).